The following is an entry in ClinVar:

ClinVar aggregate classification (germline): Benign. Review status: criteria provided, single submitter (1 of 4 stars). 2 submissions from 2 submitters: Benign (1). 1 of the submissions does not count toward it. Last evaluated 2023-04-06.

Conditions:
HIVEP2-related disorder. Also called: HIVEP2-related condition.

Allele frequency attached by ClinVar (database versions not stated): TOPMed below 0.00001; gnomAD 0.00001; gnomAD exomes 0.00006; ExAC 0.00016.
gnomAD v4.1: 95 of 1,614,094 alleles (0.0059%); highest among the groups gnomAD compares: South Asian, 0.1%; no homozygotes.

Submissions (2):

Labcorp Genetics (formerly Invitae), Labcorp
Classification: Benign. Last evaluated: 2023-04-06. Review status: criteria provided, single submitter. Criteria: Invitae Variant Classification Sherloc (09022015). Collection method: clinical testing. Allele origin: germline.

PreventionGenetics, part of Exact Sciences
Classification: Likely benign for HIVEP2-related condition. Last evaluated: 2019-04-10. Review status: no assertion criteria provided. Collection method: clinical testing. Allele origin: germline. Not counted in ClinVar's aggregate classification.
Comment: This variant is classified as likely benign based on ACMG/AMP sequence variant interpretation guidelines (Richards et al. 2015 PMID: 25741868, with internal and published modifications).

NM_006734.4(HIVEP2):c.4467C>A (p.Arg1489=)

Gene: HIVEP2 (HIVEP zinc finger 2; minus strand). Cytogenetic location: 6q24.2.
Variant type: single nucleotide variant.
Coding change: c.4467C>A on transcript NM_006734.4 (MANE Select); coding-DNA position 4467, C replaced by A.
Protein change: p.Arg1489=; no amino-acid change (arginine 1489 retained).
Molecular consequence: synonymous variant.
Genome position (GRCh38, 1-based): chr6:142,770,272, G>T on the plus strand (C>A on the coding strand, the complement: HIVEP2 is on the minus strand). VCF-style: chr6-142770272-G-T. GRCh37 (hg19) VCF-style: chr6-143091409-G-T.
Other names: c.4467C>A (NM_006734.3).
Identifiers: ClinVar variation 3018262 (VCV003018262.5), dbSNP rs775671865, ClinGen allele CA4028074.